The following is an entry in ClinVar:

ClinVar aggregate classification (germline): Uncertain significance (1 of 4 stars; one submission).

Conditions:
Dilated cardiomyopathy 1W (CMD1W). Identifiers: Orphanet 154, MedGen C1969639, MONDO:0012667, OMIM 611407.

Allele frequency attached by ClinVar (database versions not stated): TOPMed below 0.00001.

Submission:

Labcorp Genetics (formerly Invitae), Labcorp
Classification: Uncertain significance for Dilated cardiomyopathy 1W. Last evaluated: 2022-06-27. Review status: criteria provided, single submitter. Criteria: Invitae Variant Classification Sherloc (09022015). Collection method: clinical testing. Allele origin: germline.
Comment: This sequence change replaces tyrosine, which is neutral and polar, with cysteine, which is neutral and slightly polar, at codon 822 of the VCL protein (p.Tyr822Cys). In summary, the available evidence is currently insufficient to determine the role of this variant in disease. Therefore, it has been classified as a Variant of Uncertain Significance. Algorithms developed to predict the effect of missense changes on protein structure and function are either unavailable or do not agree on the potential impact of this missense change (SIFT: "Not Available"; PolyPhen-2: "Possibly Damaging"; Align-GVGD: "Not Available"). This variant has not been reported in the literature in individuals affected with VCL-related conditions. This variant is not present in population databases (gnomAD no frequency).

NM_014000.3(VCL):c.2465A>G (p.Tyr822Cys)

Gene: VCL (vinculin; plus strand). Cytogenetic location: 10q22.2.
Variant type: single nucleotide variant.
Coding change: c.2465A>G on transcript NM_014000.3 (MANE Select); coding-DNA position 2465, A replaced by G.
Protein change: p.Tyr822Cys; replaces tyrosine 822 with cysteine.
Molecular consequence: missense variant.
Genome position (GRCh38, 1-based): chr10:74,107,260, A>G. VCF-style: chr10-74107260-A-G. GRCh37 (hg19) VCF-style: chr10-75867018-A-G.
Other names: c.2465A>G, p.Tyr822Cys (NM_003373.4); short protein forms Y822C.
Identifiers: ClinVar variation 2171895 (VCV002171895.4), dbSNP rs1194075584, ClinGen allele CA377263586.
Genomic context (GRCh38, chr10:74,107,260, plus strand): 5'-CAGCTGAAAGTGAGGATGTCTTGTGTTTAGGACTGCAAAAGAGCTTCCTGGACTCAGGAT[A>G]TCGGATCCTGGGAGCTGTGGCCAAGGTCAGAGAAGCCTTCCAACCTCAGGAGCCTGACTT-3'
Protein context (NP_054706.1, residues 812-832): GLQKSFLDSG[Tyr822Cys]RILGAVAKVR